The following is an entry in ClinVar:

NM_004608.4(TBX6):c.914-6C>T

Gene: TBX6 (T-box transcription factor 6; minus strand). Cytogenetic location: 16p11.2.
Variant type: single nucleotide variant.
Coding change: c.914-6C>T on transcript NM_004608.4 (MANE Select); 6 bases into the intron before coding-DNA position 914, C replaced by T.
Molecular consequence: intron variant.
Genome position (GRCh38, 1-based): chr16:30,086,701, G>A on the plus strand (C>T on the coding strand, the complement: TBX6 is on the minus strand). VCF-style: chr16-30086701-G-A. GRCh37 (hg19) VCF-style: chr16-30098022-G-A.
Identifiers: ClinVar variation 711597 (VCV000711597.16), dbSNP rs200310768, ClinGen allele CA8001727.

ClinVar aggregate classification (germline): Benign/Likely benign. Review status: criteria provided, multiple submitters, no conflicts (2 of 4 stars). 2 submissions from 2 submitters: Benign (1); Likely benign (1). Last evaluated 2026-01-12.

Allele frequency attached by ClinVar (database versions not stated): 1000 Genomes Project 30x 0.00062; 1000 Genomes Project 0.00080; ESP Exome Variant Server 0.00192; TOPMed 0.00198; gnomAD exomes 0.00275; gnomAD 0.00399.
gnomAD v4.1: 4,376 of 1,612,672 alleles (0.27%); highest among the groups gnomAD compares: Non-Finnish European, 0.27%; 27 homozygotes.

Submissions (2):

Labcorp Genetics (formerly Invitae), Labcorp
Classification: Benign. Last evaluated: 2026-01-12. Review status: criteria provided, single submitter. Criteria: Invitae Variant Classification Sherloc (09022015). Collection method: clinical testing. Allele origin: germline.

CeGaT Center for Human Genetics Tuebingen
Classification: Likely benign. Last evaluated: 2025-11-01. Review status: criteria provided, single submitter. Criteria: CeGaT Center For Human Genetics Tuebingen Variant Classification Criteria Version 2. Collection method: clinical testing. Allele origin: germline. Affected: yes. Observed: 1 variant allele.
Comment: TBX6: BP4, BS2